The following is an entry in ClinVar:

NM_001369.3(DNAH5):c.3174G>A (p.Lys1058=)

Genes: DNAH5 (dynein axonemal heavy chain 5; minus strand), DNAH5-AS1 (DNAH5 antisense RNA 1; plus strand). Cytogenetic location: 5p15.2.
Variant type: single nucleotide variant.
Coding change: c.3174G>A on transcript NM_001369.3 (MANE Select); coding-DNA position 3174, G replaced by A.
Protein change: p.Lys1058=; no amino-acid change (lysine 1058 retained).
Molecular consequence: synonymous variant.
Genome position (GRCh38, 1-based): chr5:13,882,904, C>T on the plus strand (G>A on the coding strand, the complement: DNAH5 is on the minus strand). VCF-style: chr5-13882904-C-T. GRCh37 (hg19) VCF-style: chr5-13883013-C-T.
Identifiers: ClinVar variation 3907606 (VCV003907606.1).

ClinVar aggregate classification (germline): Uncertain significance (1 of 4 stars; one submission).

gnomAD v4.1: 4 of 1,614,134 alleles (0.00025%); highest among the groups gnomAD compares: Non-Finnish European, 0.00034%; no homozygotes.

Submission:

Women's Health and Genetics/Laboratory Corporation of America, LabCorp
Classification: Uncertain significance. Last evaluated: 2025-06-20. Review status: criteria provided, single submitter. Criteria: LabCorp Variant Classification Summary - May 2015. Collection method: clinical testing. Allele origin: germline.
Comment: Variant summary: DNAH5 c.3174G>A (p.Lys1058Lys) alters a conserved nucleotide located close to a canonical splice site and therefore could affect mRNA splicing, leading to a significantly altered protein sequence. Several computational tools predict a significant impact on normal splicing: Three predict the variant weakens a canonical 5' donor site. However, these predictions have yet to be confirmed by functional studies. The variant allele was found at a frequency of 4e-06 in 251424 control chromosomes. The available data on variant occurrences in the general population are insufficient to allow any conclusion about variant significance. To our knowledge, no occurrence of c.3174G>A in individuals affected with Primary ciliary dyskinesia 3 and no experimental evidence demonstrating its impact on protein function have been reported. No submitters have cited clinical-significance assessments for this variant to ClinVar. Based on the evidence outlined above, the variant was classified as uncertain significance.